The following is an entry in ClinVar:

NM_000018.4(ACADVL):c.1828-20C>T

Gene: ACADVL (acyl-CoA dehydrogenase very long chain; plus strand). Cytogenetic location: 17p13.1.
Variant type: single nucleotide variant.
Coding change: c.1828-20C>T on transcript NM_000018.4 (MANE Select); 20 bases into the intron before coding-DNA position 1828, C replaced by T.
Molecular consequence: intron variant.
Genome position (GRCh38, 1-based): chr17:7,224,937, C>T. VCF-style: chr17-7224937-C-T. GRCh37 (hg19) VCF-style: chr17-7128256-C-T.
Other names: c.1897-20C>T (NM_001270447.2); c.1600-20C>T (NM_001270448.2); c.1762-20C>T (NM_001033859.3).
Identifiers: ClinVar variation 680357 (VCV000680357.9), dbSNP rs757145035, ClinGen allele CA8338287.

ClinVar aggregate classification (germline): Likely benign. Review status: criteria provided, multiple submitters, no conflicts (2 of 4 stars). 3 submissions from 3 submitters: Likely benign (3). Last evaluated 2025-12-28.

Conditions:
Very long chain acyl-CoA dehydrogenase deficiency (ACADVLD). Also called: Very Long-Chain Acyl-Coenzyme A Dehydrogenase Deficiency; VLCAD Deficiency. Identifiers: Orphanet 26793, MedGen C3887523, MONDO:0008723, OMIM 201475.

Allele frequency attached by ClinVar (database versions not stated): gnomAD exomes 0.00001; ExAC 0.00002; gnomAD 0.00003; TOPMed 0.00003.

Submissions (3):

Labcorp Genetics (formerly Invitae), Labcorp
Classification: Likely benign for Very long chain acyl-CoA dehydrogenase deficiency. Last evaluated: 2025-12-28. Review status: criteria provided, single submitter. Criteria: Invitae Variant Classification Sherloc (09022015). Collection method: clinical testing. Allele origin: germline.

Blueprint Genetics
Classification: Likely benign. Last evaluated: 2021-04-26. Review status: criteria provided, single submitter. Criteria: ACMG Guidelines, 2015. Collection method: clinical testing. Allele origin: germline.

GeneDx
Classification: Likely benign. Last evaluated: 2018-03-22. Review status: criteria provided, single submitter. Criteria: GeneDx Variant Classification (06012015). Collection method: clinical testing. Allele origin: germline. Affected: yes.
Comment: This variant is considered likely benign or benign based on one or more of the following criteria: it is a conservative change, it occurs at a poorly conserved position in the protein, it is predicted to be benign by multiple in silico algorithms, and/or has population frequency not consistent with disease.